The following is an entry in ClinVar:

ClinVar aggregate classification (germline): Uncertain significance. Review status: criteria provided, multiple submitters, no conflicts (2 of 4 stars). 2 submissions from 2 submitters: Uncertain significance (2). Last evaluated 2023-05-09.

Conditions:
Mendelian susceptibility to mycobacterial diseases due to complete IL12RB1 deficiency. Also called: Immunodeficiency 30; IL12RB1 DEFICIENCY. Identifiers: Orphanet 319552, MedGen C4013949, MONDO:0013955, OMIM 614891.
Inborn genetic diseases. Identifiers: MedGen C0950123, MeSH D030342.

Allele frequency attached by ClinVar (database versions not stated): gnomAD 0.00005; 1000 Genomes Project 30x 0.00016; TOPMed 0.00008; 1000 Genomes Project 0.00020.
gnomAD v4.1: 42 of 1,609,286 alleles (0.0026%); highest among the groups gnomAD compares: South Asian, 0.021%; no homozygotes.

Submissions (2):

Ambry Genetics
Classification: Uncertain significance for Inborn genetic diseases. Last evaluated: 2023-05-09. Review status: criteria provided, single submitter. Criteria: Ambry Variant Classification Scheme 2023. Collection method: clinical testing. Allele origin: germline.

Labcorp Genetics (formerly Invitae), Labcorp
Classification: Uncertain significance for Mendelian susceptibility to mycobacterial diseases due to complete IL12RB1 deficiency. Last evaluated: 2022-09-07. Review status: criteria provided, single submitter. Criteria: Invitae Variant Classification Sherloc (09022015). Collection method: clinical testing. Allele origin: germline.
Comment: This sequence change replaces serine, which is neutral and polar, with leucine, which is neutral and non-polar, at codon 453 of the IL12RB1 protein (p.Ser453Leu). This variant is present in population databases (rs560384669, gnomAD 0.02%). This variant has not been reported in the literature in individuals affected with IL12RB1-related conditions. ClinVar contains an entry for this variant (Variation ID: 646099). Algorithms developed to predict the effect of missense changes on protein structure and function output the following: SIFT: "Tolerated"; PolyPhen-2: "Benign"; Align-GVGD: "Class C0". The leucine amino acid residue is found in multiple mammalian species, which suggests that this missense change does not adversely affect protein function. In summary, the available evidence is currently insufficient to determine the role of this variant in disease. Therefore, it has been classified as a Variant of Uncertain Significance.

NM_005535.3(IL12RB1):c.1358C>T (p.Ser453Leu)

Gene: IL12RB1 (interleukin 12 receptor subunit beta 1; minus strand). Cytogenetic location: 19p13.11.
Variant type: single nucleotide variant.
Coding change: c.1358C>T on transcript NM_005535.3 (MANE Select); coding-DNA position 1358, C replaced by T.
Protein change: p.Ser453Leu; replaces serine 453 with leucine.
Molecular consequence: missense variant.
Genome position (GRCh38, 1-based): chr19:18,066,667, G>A on the plus strand (C>T on the coding strand, the complement: IL12RB1 is on the minus strand). VCF-style: chr19-18066667-G-A. GRCh37 (hg19) VCF-style: chr19-18177477-G-A.
Other names: c.1358C>T, p.Ser453Leu (NM_001290023.2); c.1478C>T, p.Ser493Leu (NM_001290024.2); short protein forms S453L, S493L.
Identifiers: ClinVar variation 646099 (VCV000646099.5), dbSNP rs560384669, ClinGen allele CA9304853.